The following is an entry in ClinVar:

NM_001080517.3(SETD5):c.4094G>A (p.Ser1365Asn)

Gene: SETD5 (SET domain containing 5; plus strand). Cytogenetic location: 3p25.3.
Variant type: single nucleotide variant.
Coding change: c.4094G>A on transcript NM_001080517.3 (MANE Select); coding-DNA position 4094, G replaced by A.
Protein change: p.Ser1365Asn; replaces serine 1365 with asparagine.
Molecular consequence: missense variant.
Genome position (GRCh38, 1-based): chr3:9,475,856, G>A. VCF-style: chr3-9475856-G-A. GRCh37 (hg19) VCF-style: chr3-9517540-G-A.
Other names: c.3800G>A, p.Ser1267Asn (NM_001292043.2, NM_001349451.2); short protein forms S1267N, S1365N.
Identifiers: ClinVar variation 3625321 (VCV003625321.2).

ClinVar aggregate classification (germline): Uncertain significance (1 of 4 stars; one submission).

gnomAD v4.1: 1 of 1,613,890 alleles (0.000062%); highest among the groups gnomAD compares: African/African-American, 0.0013%; no homozygotes.

Submission:

Labcorp Genetics (formerly Invitae), Labcorp
Classification: Uncertain significance. Last evaluated: 2024-03-01. Review status: criteria provided, single submitter. Criteria: Invitae Variant Classification Sherloc (09022015). Collection method: clinical testing. Allele origin: germline.
Comment: This sequence change replaces serine, which is neutral and polar, with asparagine, which is neutral and polar, at codon 1365 of the SETD5 protein (p.Ser1365Asn). This variant is not present in population databases (gnomAD no frequency). This variant has not been reported in the literature in individuals affected with SETD5-related conditions. Advanced modeling of protein sequence and biophysical properties (such as structural, functional, and spatial information, amino acid conservation, physicochemical variation, residue mobility, and thermodynamic stability) performed at Invitae indicates that this missense variant is not expected to disrupt SETD5 protein function with a negative predictive value of 80%. In summary, the available evidence is currently insufficient to determine the role of this variant in disease. Therefore, it has been classified as a Variant of Uncertain Significance.